The following is an entry in ClinVar:

ClinVar aggregate classification (germline): Benign/Likely benign. Review status: criteria provided, multiple submitters, no conflicts (2 of 4 stars). 5 submissions from 5 submitters: Benign (3); Likely benign (2). Last evaluated 2026-01-29.

Conditions:
Collagen 6-related myopathy. Identifiers: MedGen CN117976, MONDO:0100225.
Bethlem myopathy 1A. Also called: Bethlem myopathy 1; Bethlem Muscular Dystrophy; MYOPATHY, BENIGN CONGENITAL, WITH CONTRACTURES. Identifiers: Orphanet 610, MedGen CN029274, MONDO:0024530, OMIM 158810.

Allele frequency attached by ClinVar (database versions not stated): gnomAD below 0.00001 and 0.00040; TOPMed 0.00006; ESP Exome Variant Server 0.00008; gnomAD exomes 0.00139; ExAC 0.00172; 1000 Genomes Project 0.00300; 1000 Genomes Project 30x 0.00328.
gnomAD v4.1: 1,080 of 1,612,546 alleles (0.067%); highest among the groups gnomAD compares: South Asian, 1.1%; 16 homozygotes.

Submissions (5):

Labcorp Genetics (formerly Invitae), Labcorp
Classification: Benign for Bethlem myopathy 1A. Last evaluated: 2026-01-29. Review status: criteria provided, single submitter. Criteria: Invitae Variant Classification Sherloc (09022015). Collection method: clinical testing. Allele origin: germline.

Blueprint Genetics
Classification: Likely benign. Last evaluated: 2024-11-19. Review status: criteria provided, single submitter. Criteria: ACMG Guidelines, 2015. Collection method: clinical testing. Allele origin: germline.

GeneDx
Classification: Likely benign. Last evaluated: 2021-04-28. Review status: criteria provided, single submitter. Criteria: GeneDx Variant Classification Process June 2021. Collection method: clinical testing. Allele origin: germline. Affected: yes.

Illumina Laboratory Services, Illumina
Classification: Benign for Collagen VI-related myopathy. Last evaluated: 2018-01-13. Review status: criteria provided, single submitter. Criteria: ICSL Variant Classification Criteria 13 December 2019. Collection method: clinical testing. Allele origin: germline.
Comment: This variant was observed in the ICSL laboratory as part of a predisposition screen in an ostensibly healthy population. It had not been previously curated by ICSL or reported in the Human Gene Mutation Database (HGMD: prior to June 1st, 2018), and was therefore a candidate for classification through an automated scoring system. Utilizing variant allele frequency, disease prevalence and penetrance estimates, and inheritance mode, an automated score was calculated to assess if this variant is too frequent to cause the disease. Based on the score and internal cut-off values, a variant classified as benign is not then subjected to further curation. The score for this variant resulted in a classification of benign for this disease.

Eurofins Ntd Llc (ga)
Classification: Benign. Last evaluated: 2015-09-03. Review status: criteria provided, single submitter. Criteria: EGL Classification Definitions 2015. Collection method: clinical testing. Allele origin: germline. Observed: 2 variant alleles, 2 heterozygotes.

NM_001849.4(COL6A2):c.1572+3G>A

Gene: COL6A2 (collagen type VI alpha 2 chain; plus strand). Cytogenetic location: 21q22.3.
Variant type: single nucleotide variant.
Coding change: c.1572+3G>A on transcript NM_001849.4 (MANE Select); 3 bases into the intron after coding-DNA position 1572, G replaced by A.
Molecular consequence: intron variant.
Genome position (GRCh38, 1-based): chr21:46,122,161, G>A. VCF-style: chr21-46122161-G-A. GRCh37 (hg19) VCF-style: chr21-47542075-G-A.
Other names: c.1572+3G>A (NM_058175.3, NM_058174.3).
Identifiers: ClinVar variation 283073 (VCV000283073.20), dbSNP rs372414400, ClinGen allele CA10071981.